The following is an entry in ClinVar:

ClinVar aggregate classification (germline): Uncertain significance. Review status: criteria provided, single submitter (1 of 4 stars). 2 submissions from 2 submitters: Uncertain significance (1). 1 of the submissions does not count toward it. Last evaluated 2019-08-14.

Conditions:
Duchenne muscular dystrophy (DMD). Also called: MUSCULAR DYSTROPHY, PSEUDOHYPERTROPHIC PROGRESSIVE, DUCHENNE TYPE; Duchenne Muscular Dystrophy (DMD). Identifiers: Orphanet 98896, MedGen C0013264, MONDO:0010679, OMIM 310200.
Dystrophin deficiency.
Becker muscular dystrophy (BMD). Also called: MUSCULAR DYSTROPHY, PSEUDOHYPERTROPHIC PROGRESSIVE, BECKER TYPE; Becker Muscular Dystrophy (BMD). Identifiers: Orphanet 98895, MedGen C0917713, MONDO:0010311, OMIM 300376.
Cardiomyopathy (CMYO). Also called: Cardiomyopathies. Identifiers: Orphanet 167848, MedGen C0878544, MONDO:0004994, HP:0001638. Inheritance: Various modes of inheritance.

gnomAD v4.1: 1 of 1,211,526 alleles (0.000083%); highest among the groups gnomAD compares: Middle Eastern, 0.023%; no homozygotes.

Submissions (2):

Labcorp Genetics (formerly Invitae), Labcorp
Classification: Uncertain significance for Duchenne muscular dystrophy. Last evaluated: 2019-08-14. Review status: criteria provided, single submitter. Criteria: Invitae Variant Classification Sherloc (09022015). Collection method: clinical testing. Allele origin: germline.
Comment: This variant has not been reported in the literature in individuals with DMD-related conditions. This sequence change replaces valine with glycine at codon 921 of the DMD protein (p.Val921Gly). The valine residue is moderately conserved and there is a moderate physicochemical difference between valine and glycine. This variant is not present in population databases (ExAC no frequency). Algorithms developed to predict the effect of missense changes on protein structure and function (SIFT, PolyPhen-2, Align-GVGD) all suggest that this variant is likely to be disruptive, but these predictions have not been confirmed by published functional studies and their clinical significance is uncertain. In summary, the available evidence is currently insufficient to determine the role of this variant in disease. Therefore, it has been classified as a Variant of Uncertain Significance.

Natera, Inc.
Classification: Uncertain significance for Becker muscular dystrophy; Cardiomyopathy; Duchenne muscular dystrophy; Dystrophin deficiency. Last evaluated: 2019-06-10. Review status: no assertion criteria provided. Collection method: clinical testing. Allele origin: germline. Not counted in ClinVar's aggregate classification.

NM_004006.3(DMD):c.2762T>G (p.Val921Gly)

Gene: DMD (dystrophin; minus strand). Cytogenetic location: Xp21.1.
Variant type: single nucleotide variant.
Coding change: c.2762T>G on transcript NM_004006.3 (MANE Select); coding-DNA position 2762, T replaced by G.
Protein change: p.Val921Gly; replaces valine 921 with glycine.
Molecular consequence: missense variant.
Genome position (GRCh38, 1-based): chrX:32,484,960, A>C on the plus strand (T>G on the coding strand, the complement: DMD is on the minus strand). VCF-style: chrX-32484960-A-C. GRCh37 (hg19) VCF-style: chrX-32503077-A-C.
Other names: c.2738T>G, p.Val913Gly (NM_000109.4); c.2750T>G, p.Val917Gly (NM_004009.3); c.2393T>G, p.Val798Gly (NM_004010.3); short protein forms V921G, V798G, V917G, V913G.
Identifiers: ClinVar variation 954193 (VCV000954193.11), dbSNP rs779873011, ClinGen allele CA412670720.
Genomic context (GRCh38, chrX:32,484,960, plus strand): 5'-TTTTAGGCTTTTTACTTACTTGTCTGTAGCTCTTTCTCTCTGGCCTGCACATCAGAAAAG[A>C]CTTGCTTAAAATGATTTGTAAAGGCCACAAAGTCTGCATCCAGGAACATGGGTCCTTGTC-3'
Protein context (NP_003997.2, residues 911-931): FVAFTNHFKQ[Val921Gly]FSDVQAREKE